The following is an entry in ClinVar:

ClinVar aggregate classification (germline): Uncertain significance (1 of 4 stars; one submission).

Conditions:
Dyskeratosis congenita. Identifiers: Orphanet 1775, MedGen C0265965, MONDO:0015780.

Submission:

Labcorp Genetics (formerly Invitae), Labcorp
Classification: Uncertain significance for Dyskeratosis congenita. Last evaluated: 2021-03-24. Review status: criteria provided, single submitter. Criteria: Invitae Variant Classification Sherloc (09022015). Collection method: clinical testing. Allele origin: germline.
Comment: In summary, the available evidence is currently insufficient to determine the role of this variant in disease. Therefore, it has been classified as a Variant of Uncertain Significance. Nucleotide substitutions within the consensus splice site are a relatively common cause of aberrant splicing (PMID: 17576681, 9536098). Algorithms developed to predict the effect of sequence changes on RNA splicing suggest that this variant is not likely to affect RNA splicing, but this prediction has not been confirmed by published transcriptional studies. This variant has not been reported in the literature in individuals with CTC1-related conditions. This variant is not present in population databases (ExAC no frequency). This sequence change falls in intron 12 of the CTC1 gene. It does not directly change the encoded amino acid sequence of the CTC1 protein. It affects a nucleotide within the consensus splice site of the intron.

Literature cited by the submitters: PubMed 17576681; PubMed 9536098.

NM_025099.6(CTC1):c.2060+6_2060+13del

Gene: CTC1 (CST telomere replication complex component 1; minus strand). Cytogenetic location: 17p13.1.
Variant type: Deletion.
Coding change: c.2060+6_2060+13del on transcript NM_025099.6 (MANE Select); bases 6 to 13 of the intron after coding-DNA position 2060, 8 bases deleted (CTCCTTGG; older notation c.2060+6_2060+13delCTCCTTGG).
Molecular consequence: splice donor variant.
Genome position (GRCh38, 1-based): chr17:8,232,348-8,232,355, CCAAGGAG deleted on the plus strand (CTCCTTGG on the coding strand, the reverse complement: CTC1 is on the minus strand); deleting any 8 consecutive bases within chr17:8,232,348-8,232,359 gives the same sequence; the c. name uses the placement nearest the transcript's 3' end. VCF-style (leftmost placement, unchanged base first): chr17-8232347-CCCAAGGAG-C. GRCh37 (hg19) VCF-style: chr17-8135665-CCCAAGGAG-C.
Identifiers: ClinVar variation 1384947 (VCV001384947.6), dbSNP rs2151510765, ClinGen allele CA2573154554.